The following is an entry in ClinVar:

ClinVar aggregate classification (germline): Uncertain significance (1 of 4 stars; one submission).

Submission:

GeneDx
Classification: Uncertain significance. Last evaluated: 2019-04-22. Review status: criteria provided, single submitter. Criteria: GeneDx Variant Classification Process June 2021. Collection method: clinical testing. Allele origin: germline. Affected: yes.
Comment: Not observed in large population cohorts (Lek et al., 2016); Canonical splice site variant in a gene for which loss-of-function is not a known mechanism of disease; Has not been previously published as pathogenic or benign to our knowledge

NM_000719.7(CACNA1C):c.617+1G>A

Gene: CACNA1C (calcium voltage-gated channel subunit alpha1 C; plus strand). Cytogenetic location: 12p13.33.
Variant type: single nucleotide variant.
Coding change: c.617+1G>A on transcript NM_000719.7 (MANE Select); the canonical splice donor site of the intron after coding-DNA position 617, G replaced by A.
Molecular consequence: splice donor variant.
Genome position (GRCh38, 1-based): chr12:2,449,116, G>A. VCF-style: chr12-2449116-G-A. GRCh37 (hg19) VCF-style: chr12-2558282-G-A.
Other names: c.617+1G>A (NM_001167624.3, NM_001167623.2, NM_001167625.2 and 19 more transcripts).
Identifiers: ClinVar variation 1305147 (VCV001305147.2), dbSNP rs2154562886, ClinGen allele CA383367574.